The following is an entry in ClinVar:

ClinVar aggregate classification (germline): Likely pathogenic (1 of 4 stars; one submission).

Conditions:
Developmental and epileptic encephalopathy, 42 (DEE42A). Also called: Epileptic encephalopathy, early infantile, 42; DEVELOPMENTAL AND EPILEPTIC ENCEPHALOPATHY 42A; EPILEPTIC ENCEPHALOPATHY, EARLY INFANTILE, 42A. Identifiers: MedGen C4310716, MONDO:0014917, OMIM 617106.

Submission:

3billion
Classification: Likely pathogenic for Developmental and epileptic encephalopathy, 42. Last evaluated: 2021-10-02. Review status: criteria provided, single submitter. Criteria: ACMG Guidelines, 2015. Collection method: clinical testing. Allele origin: germline. Affected: yes. Observed: 1 heterozygote.
Comment: It is not observed in the gnomAD v2.1.1 dataset (PM2). The variant was observed as assumed (i.e. paternity and maternity not confirmed) de novoo (3billion dataset, PM6). In silico tool predictions suggest damaging effect of the variant on gene or gene product (REVEL: 0.851, PP3). Therefore, this variant is classified likely pathogenic according to the recommendation of ACMG/AMP guideline.

NM_001127222.2(CACNA1A):c.4549G>A (p.Gly1517Arg)

Gene: CACNA1A (calcium voltage-gated channel subunit alpha1 A; minus strand). Cytogenetic location: 19p13.13.
Variant type: single nucleotide variant.
Coding change: c.4549G>A on transcript NM_001127222.2 (MANE Select); coding-DNA position 4549, G replaced by A.
Protein change: p.Gly1517Arg; replaces glycine 1517 with arginine.
Molecular consequence: missense variant.
Genome position (GRCh38, 1-based): chr19:13,257,391, C>T on the plus strand (G>A on the coding strand, the complement: CACNA1A is on the minus strand). VCF-style: chr19-13257391-C-T. GRCh37 (hg19) VCF-style: chr19-13368205-C-T.
Other names: c.4561G>A, p.Gly1521Arg (NM_000068.4, NM_023035.3); c.4552G>A, p.Gly1518Arg (NM_001127221.2, NM_001174080.2); short protein forms G1517R, G1518R, G1521R.
Identifiers: ClinVar variation 1320269 (VCV001320269.1), dbSNP rs2144748225, ClinGen allele CA404338807.
Genomic context (GRCh38, chr19:13,257,391, plus strand): 5'-ATGGAATTGGAAGTGGCACCTCATTTTTCTCCAGGCTGTATTCCTCCATCATCTTGTCCC[C>T]TTGCTCCTGGAAGGTGATGATGATCAAGGCCACAAAGATATTGACAAAGAAGAAGGGGAA-3'
Protein context (NP_001120694.1, residues 1507-1527): ALIIITFQEQ[Gly1517Arg]DKMMEEYSLE